The following is an entry in ClinVar:

ClinVar aggregate classification (germline): Conflicting classifications of pathogenicity. Review status: criteria provided, conflicting classifications (1 of 4 stars). 7 submissions from 7 submitters: Pathogenic (2); Likely pathogenic (2); Uncertain significance (3). Last evaluated 2026-05-26.

Conditions:
CNGB1-related disorder. Also called: CNGB1-related condition.
Retinitis pigmentosa 45 (RP45). Identifiers: Orphanet 791, MedGen C3151066, MONDO:0013413, OMIM 613767.
Retinitis pigmentosa (RP). Identifiers: Orphanet 791, MedGen C0035334, MeSH D012174, MONDO:0019200, OMIM 268000. Inheritance: Autosomal dominant, autosomal recessive and X linked inheritance.

Allele frequency attached by ClinVar (database versions not stated): gnomAD exomes 0.00004 and 0.00009; ExAC 0.00010; ESP Exome Variant Server 0.00033; gnomAD 0.00033 and 0.00037; TOPMed 0.00037.
gnomAD v4.1: 103 of 1,614,078 alleles (0.0064%); highest among the groups gnomAD compares: African/African-American, 0.11%; no homozygotes.

Submissions (7):

PreventionGenetics, part of Exact Sciences
Classification: Uncertain significance for CNGB1-related condition. Last evaluated: 2026-05-26. Review status: criteria provided, single submitter. Criteria: ACMG Guidelines, 2015. Collection method: clinical testing. Allele origin: germline.
Comment: The CNGB1 c.11G>A variant is predicted to result in premature protein termination (p.Trp4*). To our knowledge, this variant has not been reported in the literature in association with retinal disease. This variant is present in 0.13% of alleles in individuals of African descent in gnomAD, indicating it is relatively common in this population. While loss-of-function variants in CNGB1 are an established mechanism of disease, no loss-of-function variants have been reported upstream of this variant. Therefore although we suspect that this variant may be pathogenic, at this time, the clinical significance of this variant is uncertain due to the absence of conclusive functional and genetic evidence.

Women's Health and Genetics/Laboratory Corporation of America, LabCorp
Classification: Pathogenic for Retinitis pigmentosa. Last evaluated: 2025-01-23. Review status: criteria provided, single submitter. Criteria: LabCorp Variant Classification Summary - May 2015. Collection method: clinical testing. Allele origin: germline.
Comment: Variant summary: CNGB1 c.11G>A (p.Trp4X) results in a premature termination codon, predicted to cause a truncation of the encoded protein or absence of the protein due to nonsense mediated decay, which are commonly known mechanisms for disease. The variant allele was found at a frequency of 8.8e-05 in 249414 control chromosomes, predominantly at a frequency of 0.0012 within the African or African-American subpopulation in the gnomAD database. This approaches, but does not exceed the maximum expected pathogenic allele frequency for CNGB1-related conditions (0.0025). To our knowledge, no occurrence of c.11G>A in individuals affected with Retinitis Pigmentosa and no experimental evidence demonstrating its impact on protein function have been reported. ClinVar contains an entry for this variant (Variation ID: 866772). Based on the evidence outlined above, the variant was classified as pathogenic.

Labcorp Genetics (formerly Invitae), Labcorp
Classification: Pathogenic. Last evaluated: 2024-10-29. Review status: criteria provided, single submitter. Criteria: Invitae Variant Classification Sherloc (09022015). Collection method: clinical testing. Allele origin: germline.
Comment: This sequence change creates a premature translational stop signal (p.Trp4*) in the CNGB1 gene. It is expected to result in an absent or disrupted protein product. Loss-of-function variants in CNGB1 are known to be pathogenic (PMID: 15557452, 24043777). This variant is present in population databases (rs201976061, gnomAD 0.1%). This variant has not been reported in the literature in individuals affected with CNGB1-related conditions. ClinVar contains an entry for this variant (Variation ID: 866772). For these reasons, this variant has been classified as Pathogenic.

Fulgent Genetics
Classification: Likely pathogenic for Retinitis pigmentosa 45. Last evaluated: 2024-05-09. Review status: criteria provided, single submitter. Criteria: ACMG Guidelines, 2015. Collection method: clinical testing. Allele origin: germline.

GeneDx
Classification: Uncertain significance. Last evaluated: 2022-06-03. Review status: criteria provided, single submitter. Criteria: GeneDx Variant Classification Process June 2021. Collection method: clinical testing. Allele origin: germline. Affected: yes.
Comment: Nonsense variant predicted to result in protein truncation or nonsense mediated decay in a gene for which loss of function is a known mechanism of disease; Has not been previously published as pathogenic or benign to our knowledge

Blueprint Genetics
Classification: Uncertain significance. Last evaluated: 2022-04-19. Review status: criteria provided, single submitter. Criteria: ACMG Guidelines, 2015. Collection method: clinical testing. Allele origin: germline.

Revvity Omics, Revvity
Classification: Likely pathogenic for Retinitis pigmentosa 45. Last evaluated: 2019-06-28. Review status: criteria provided, single submitter. Criteria: ACMG Guidelines, 2015. Collection method: clinical testing. Allele origin: germline.

Literature cited by the submitters: PubMed 15557452 (cited by Labcorp Genetics (formerly Invitae), Labcorp); PubMed 24043777 (cited by Labcorp Genetics (formerly Invitae), Labcorp).

NM_001297.5(CNGB1):c.11G>A (p.Trp4Ter)

Gene: CNGB1 (cyclic nucleotide gated channel subunit beta 1; minus strand). Cytogenetic location: 16q21.
Variant type: single nucleotide variant.
Coding change: c.11G>A on transcript NM_001297.5 (MANE Select); coding-DNA position 11, G replaced by A.
Protein change: p.Trp4Ter; replaces tryptophan 4 with a stop codon.
Molecular consequence: nonsense.
Genome position (GRCh38, 1-based): chr16:57,967,276, C>T on the plus strand (G>A on the coding strand, the complement: CNGB1 is on the minus strand). VCF-style: chr16-57967276-C-T. GRCh37 (hg19) VCF-style: chr16-58001180-C-T.
Other names: c.11G>A, p.Trp4Ter (NM_001135639.2, NM_001286130.2); short protein forms W4*.
Identifiers: ClinVar variation 866772 (VCV000866772.21), dbSNP rs201976061, ClinGen allele CA8084020.